The following is an entry in ClinVar:

ClinVar aggregate classification (germline): Uncertain significance (1 of 4 stars; one submission).

Conditions:
Walker-Warburg congenital muscular dystrophy. Also called: Muscular dystrophy-dystroglycanopathy, type A; Walker-Warburg syndrome. Identifiers: Orphanet 899, MedGen C0265221, MONDO:0000171.

Submission:

Labcorp Genetics (formerly Invitae), Labcorp
Classification: Uncertain significance for Walker-Warburg congenital muscular dystrophy. Last evaluated: 2022-09-01. Review status: criteria provided, single submitter. Criteria: Invitae Variant Classification Sherloc (09022015). Collection method: clinical testing. Allele origin: germline.
Comment: This variant has not been reported in the literature in individuals affected with FKRP-related conditions. In summary, the available evidence is currently insufficient to determine the role of this variant in disease. Therefore, it has been classified as a Variant of Uncertain Significance. Algorithms developed to predict the effect of missense changes on protein structure and function are either unavailable or do not agree on the potential impact of this missense change (SIFT: "Tolerated"; PolyPhen-2: "Probably Damaging"; Align-GVGD: "Class C0"). ClinVar contains an entry for this variant (Variation ID: 1462964). This variant is not present in population databases (gnomAD no frequency). This sequence change replaces alanine, which is neutral and non-polar, with valine, which is neutral and non-polar, at codon 193 of the FKRP protein (p.Ala193Val).

NM_024301.5(FKRP):c.578C>T (p.Ala193Val)

Gene: FKRP (fukutin related protein; plus strand). Cytogenetic location: 19q13.32.
Variant type: single nucleotide variant.
Coding change: c.578C>T on transcript NM_024301.5 (MANE Select); coding-DNA position 578, C replaced by T.
Protein change: p.Ala193Val; replaces alanine 193 with valine.
Molecular consequence: missense variant.
Genome position (GRCh38, 1-based): chr19:46,756,028, C>T. VCF-style: chr19-46756028-C-T. GRCh37 (hg19) VCF-style: chr19-47259285-C-T.
Other names: c.578C>T, p.Ala193Val (NM_001039885.3); short protein forms A193V.
Identifiers: ClinVar variation 1462964 (VCV001462964.8), dbSNP rs1815363870, ClinGen allele CA406495599.